The following is an entry in ClinVar:

NM_001013703.4(EIF2AK4):c.514-179G>A

Gene: EIF2AK4 (eukaryotic translation initiation factor 2 alpha kinase 4; plus strand). Cytogenetic location: 15q15.1.
Variant type: single nucleotide variant.
Coding change: c.514-179G>A on transcript NM_001013703.4 (MANE Select); 179 bases into the intron before coding-DNA position 514, G replaced by A.
Molecular consequence: intron variant.
Genome position (GRCh38, 1-based): chr15:39,953,725, G>A. VCF-style: chr15-39953725-G-A. GRCh37 (hg19) VCF-style: chr15-40245926-G-A.
Identifiers: ClinVar variation 674892 (VCV000674892.1), dbSNP rs17720604, ClinGen allele CA14077576.

ClinVar aggregate classification (germline): Benign (1 of 4 stars; one submission).

Allele frequency attached by ClinVar (database versions not stated): 1000 Genomes Project 0.12021; TOPMed 0.10084; gnomAD 0.10224 and 0.10605; 1000 Genomes Project 30x 0.11899.
gnomAD v4.1: 16,134 of 152,238 alleles (11%); highest among the groups gnomAD compares: Middle Eastern, 23%; 938 homozygotes.

Submission:

GeneDx
Classification: Benign. Last evaluated: 2018-06-14. Review status: criteria provided, single submitter. Criteria: GeneDx Variant Classification (06012015). Collection method: clinical testing. Allele origin: germline. Affected: yes.
Comment: This variant is considered likely benign or benign based on one or more of the following criteria: it is a conservative change, it occurs at a poorly conserved position in the protein, it is predicted to be benign by multiple in silico algorithms, and/or has population frequency not consistent with disease.